The following is an entry in ClinVar:

NM_005045.4(RELN):c.7436A>G (p.Asp2479Gly)

Gene: RELN (reelin; minus strand). Cytogenetic location: 7q22.1.
Variant type: single nucleotide variant.
Coding change: c.7436A>G on transcript NM_005045.4 (MANE Select); coding-DNA position 7436, A replaced by G.
Protein change: p.Asp2479Gly; replaces aspartic acid 2479 with glycine.
Molecular consequence: missense variant.
Genome position (GRCh38, 1-based): chr7:103,523,445, T>C on the plus strand (A>G on the coding strand, the complement: RELN is on the minus strand). VCF-style: chr7-103523445-T-C. GRCh37 (hg19) VCF-style: chr7-103163892-T-C.
Other names: c.7436A>G, p.Asp2479Gly (NM_173054.3); short protein forms D2479G.
Identifiers: ClinVar variation 2202394 (VCV002202394.4), dbSNP rs1246751632, ClinGen allele CA368767791.

ClinVar aggregate classification (germline): Uncertain significance (1 of 4 stars; one submission).

Conditions:
Familial temporal lobe epilepsy 7. Identifiers: Orphanet 101046, MedGen C4225327, MONDO:0014639, OMIM 616436.
Norman-Roberts syndrome (LIS2). Also called: Lissencephaly 2 (Norman-Roberts type). Identifiers: Orphanet 89844, MedGen C0796089, MONDO:0009760, OMIM 257320.

Allele frequency attached by ClinVar (database versions not stated): gnomAD 0.00001; TOPMed 0.00001.
gnomAD v4.1: 3 of 1,613,930 alleles (0.00019%); highest among the groups gnomAD compares: African/African-American, 0.0027%; no homozygotes.

Submission:

Labcorp Genetics (formerly Invitae), Labcorp
Classification: Uncertain significance for Familial temporal lobe epilepsy 7; Norman-Roberts syndrome. Last evaluated: 2022-10-19. Review status: criteria provided, single submitter. Criteria: Invitae Variant Classification Sherloc (09022015). Collection method: clinical testing. Allele origin: germline.
Comment: This variant has not been reported in the literature in individuals affected with RELN-related conditions. In summary, the available evidence is currently insufficient to determine the role of this variant in disease. Therefore, it has been classified as a Variant of Uncertain Significance. Advanced modeling of protein sequence and biophysical properties (such as structural, functional, and spatial information, amino acid conservation, physicochemical variation, residue mobility, and thermodynamic stability) performed at Invitae indicates that this missense variant is not expected to disrupt RELN protein function. This variant is not present in population databases (gnomAD no frequency). This sequence change replaces aspartic acid, which is acidic and polar, with glycine, which is neutral and non-polar, at codon 2479 of the RELN protein (p.Asp2479Gly).